The following is an entry in ClinVar:

ClinVar aggregate classification (germline): Uncertain significance. Review status: criteria provided, multiple submitters, no conflicts (2 of 4 stars). 3 submissions from 3 submitters: Uncertain significance (3). Last evaluated 2021-08-24.

Conditions:
Sialuria. Also called: Sialic Acid Storage Disease; SIALURIA, FRENCH TYPE. Identifiers: Orphanet 3166, MedGen C0342853, MONDO:0010028, OMIM 269921.
GNE myopathy (NM). Also called: NONAKA DISTAL MYOPATHY; MYOPATHY, DISTAL, WITH OR WITHOUT RIMMED VACUOLES; INCLUSION BODY MYOPATHY, HEREDITARY, AUTOSOMAL RECESSIVE; INCLUSION BODY MYOPATHY 2, AUTOSOMAL RECESSIVE; IBM 2; Inclusion body myopathy autosomal recessive. Identifiers: Orphanet 602, MedGen C1853926, MONDO:0011603, OMIM 605820.

Allele frequency attached by ClinVar (database versions not stated): gnomAD exomes below 0.00001; TOPMed below 0.00001; ExAC 0.00001; gnomAD 0.00001.
gnomAD v4.1: 8 of 1,614,056 alleles (0.0005%); highest among the groups gnomAD compares: Non-Finnish European, 0.00068%; no homozygotes.

Submissions (3):

Labcorp Genetics (formerly Invitae), Labcorp
Classification: Uncertain significance for Sialuria; GNE myopathy. Last evaluated: 2021-08-24. Review status: criteria provided, single submitter. Criteria: Invitae Variant Classification Sherloc (09022015). Collection method: clinical testing. Allele origin: germline.
Comment: This sequence change replaces cysteine with phenylalanine at codon 612 of the GNE protein (p.Cys612Phe). The cysteine residue is highly conserved and there is a large physicochemical difference between cysteine and phenylalanine. This variant is present in population databases (rs756926638, ExAC 0.001%). This missense change has been observed in individual(s) with clinical features of GNE-related myopathy (PMID: 27858732). ClinVar contains an entry for this variant (Variation ID: 497836). Algorithms developed to predict the effect of missense changes on protein structure and function (SIFT, PolyPhen-2, Align-GVGD) all suggest that this variant is likely to be disruptive. This variant disrupts the p.Cys612 amino acid residue in GNE. Other variant(s) that disrupt this residue have been observed in individuals with GNE-related conditions (PMID: 25422667), which suggests that this may be a clinically significant amino acid residue. In summary, the available evidence is currently insufficient to determine the role of this variant in disease. Therefore, it has been classified as a Variant of Uncertain Significance.

Eurofins Ntd Llc (ga)
Classification: Uncertain significance. Last evaluated: 2016-10-10. Review status: criteria provided, single submitter. Criteria: EGL Classification Definitions 2015. Collection method: clinical testing. Allele origin: germline. Observed: 2 variant alleles, 2 heterozygotes.

Breakthrough Genomics
Classification: Uncertain significance. Review status: criteria provided, single submitter. Criteria: ACMG Guidelines, 2015. Collection method: not provided. Allele origin: germline. Inheritance: Autosomal recessive inheritance. Affected: yes.

Literature cited by the submitters: PubMed 27858732 (cited by Labcorp Genetics (formerly Invitae), Labcorp); PubMed 25422667 (cited by Labcorp Genetics (formerly Invitae), Labcorp).

NM_005476.7(GNE):c.1742G>T (p.Cys581Phe)

Gene: GNE (glucosamine (UDP-N-acetyl)-2-epimerase/N-acetylmannosamine kinase; minus strand). Cytogenetic location: 9p13.3.
Variant type: single nucleotide variant.
Coding change: c.1742G>T on transcript NM_005476.7 (MANE Select); coding-DNA position 1742, G replaced by T.
Protein change: p.Cys581Phe; replaces cysteine 581 with phenylalanine.
Molecular consequence: missense variant.
Genome position (GRCh38, 1-based): chr9:36,219,912, C>A on the plus strand (G>T on the coding strand, the complement: GNE is on the minus strand). VCF-style: chr9-36219912-C-A. GRCh37 (hg19) VCF-style: chr9-36219909-C-A.
Other names: c.1835G>T, p.Cys612Phe (NM_001128227.3); c.1520G>T, p.Cys507Phe (NM_001190383.3); c.1412G>T, p.Cys471Phe (NM_001190384.3); c.1565G>T, p.Cys522Phe (NM_001190388.2, NM_001374798.1); c.1589G>T, p.Cys530Phe (NM_001374797.1); short protein forms C581F, C612F, C507F, C471F, C530F, C522F.
Identifiers: ClinVar variation 497836 (VCV000497836.11), dbSNP rs756926638, ClinGen allele CA5056431.